The following is an entry in ClinVar:

NM_006648.4(WNK2):c.209C>A (p.Pro70His)

Gene: WNK2 (WNK lysine deficient protein kinase 2; plus strand). Cytogenetic location: 9q22.31.
Variant type: single nucleotide variant.
Coding change: c.209C>A on transcript NM_006648.4 (MANE Select); coding-DNA position 209, C replaced by A.
Protein change: p.Pro70His; replaces proline 70 with histidine.
Molecular consequence: missense variant.
Genome position (GRCh38, 1-based): chr9:93,185,138, C>A. VCF-style: chr9-93185138-C-A. GRCh37 (hg19) VCF-style: chr9-95947420-C-A.
Other names: c.209C>A, p.Pro70His (NM_001282394.3); short protein forms P70H.
Identifiers: ClinVar variation 3470089 (VCV003470089.1).

ClinVar aggregate classification (germline): Uncertain significance (1 of 4 stars; one submission).

gnomAD v4.1: 11 of 1,300,802 alleles (0.00085%); highest among the groups gnomAD compares: Non-Finnish European, 0.0011%; no homozygotes.

Submission:

Ambry Genetics
Classification: Uncertain significance. Last evaluated: 2024-10-05. Review status: criteria provided, single submitter. Criteria: Ambry Variant Classification Scheme 2023. Collection method: clinical testing. Allele origin: germline.
Comment: The p.P70H variant (also known as c.209C>A), located in coding exon 1 of the WNK2 gene, results from a C to A substitution at nucleotide position 209. The proline at codon 70 is replaced by histidine, an amino acid with similar properties. This amino acid position is conserved. In addition, this alteration is predicted to be tolerated by in silico analysis. Based on the available evidence, the clinical significance of this variant remains unclear.